The following is an entry in ClinVar:

NM_002641.4(PIGA):c.892G>T (p.Val298Phe)

Gene: PIGA (phosphatidylinositol glycan anchor biosynthesis class A; minus strand). Cytogenetic location: Xp22.2.
Variant type: single nucleotide variant.
Coding change: c.892G>T on transcript NM_002641.4 (MANE Select); coding-DNA position 892, G replaced by T.
Protein change: p.Val298Phe; replaces valine 298 with phenylalanine.
Molecular consequence: missense variant. On other transcripts: non-coding transcript variant (2).
Genome position (GRCh38, 1-based): chrX:15,325,109, C>A on the plus strand (G>T on the coding strand, the complement: PIGA is on the minus strand). VCF-style: chrX-15325109-C-A. GRCh37 (hg19) VCF-style: chrX-15343231-C-A.
Other names: c.190G>T, p.Val64Phe (NM_020473.3); short protein forms V298F, V64F.
Identifiers: ClinVar variation 1313947 (VCV001313947.4), dbSNP rs2147717691, ClinGen allele CA412336628.

ClinVar aggregate classification (germline): Uncertain significance (1 of 4 stars; one submission).

Submission:

GeneDx
Classification: Uncertain significance. Last evaluated: 2026-07-26. Review status: criteria provided, single submitter. Criteria: GeneDx Variant Classification Process June 2021. Collection method: clinical testing. Allele origin: germline.
Comment: Not observed at significant frequency in large population cohorts (gnomAD); In silico analysis supports that this missense variant has a deleterious effect on protein structure/function; Has not been previously published as pathogenic or benign to our knowledge